The following is an entry in ClinVar:

ClinVar aggregate classification (germline): Benign (0 of 4 stars; one submission).

Conditions:
DCHS2-related disorder. Also called: DCHS2-related condition.

Allele frequency attached by ClinVar (database versions not stated): 1000 Genomes Project 0.00100; 1000 Genomes Project 30x 0.00125; ExAC 0.00434; gnomAD 0.00482; TOPMed 0.00512; gnomAD exomes 0.00669.
gnomAD v4.1: 10,024 of 1,549,132 alleles (0.65%); highest among the groups gnomAD compares: Non-Finnish European, 0.79%; 34 homozygotes.

Submission:

PreventionGenetics, part of Exact Sciences
Classification: Benign for DCHS2-related condition. Last evaluated: 2019-09-30. Review status: no assertion criteria provided. Collection method: clinical testing. Allele origin: germline.
Comment: This variant is classified as benign based on ACMG/AMP sequence variant interpretation guidelines (Richards et al. 2015 PMID: 25741868, with internal and published modifications).

NM_001358235.2(DCHS2):c.64C>T (p.Leu22Phe)

Gene: DCHS2 (dachsous cadherin-related 2; minus strand). Cytogenetic location: 4q31.3.
Variant type: single nucleotide variant.
Coding change: c.64C>T on transcript NM_001358235.2 (MANE Select); coding-DNA position 64, C replaced by T.
Protein change: p.Leu22Phe; replaces leucine 22 with phenylalanine.
Molecular consequence: missense variant.
Genome position (GRCh38, 1-based): chr4:154,491,292, G>A on the plus strand (C>T on the coding strand, the complement: DCHS2 is on the minus strand). VCF-style: chr4-154491292-G-A. GRCh37 (hg19) VCF-style: chr4-155412444-G-A.
Other names: c.64C>T, p.Leu22Phe (NM_001142552.2, NM_001412223.1); short protein forms L22F.
Identifiers: ClinVar variation 3037762 (VCV003037762.2), dbSNP rs183736948, ClinGen allele CA3113934.